The following is an entry in ClinVar:

NM_005562.3(LAMC2):c.1147A>G (p.Ile383Val)

Gene: LAMC2 (laminin subunit gamma 2; plus strand). Cytogenetic location: 1q25.3.
Variant type: single nucleotide variant.
Coding change: c.1147A>G on transcript NM_005562.3 (MANE Select); coding-DNA position 1147, A replaced by G.
Protein change: p.Ile383Val; replaces isoleucine 383 with valine.
Molecular consequence: missense variant.
Genome position (GRCh38, 1-based): chr1:183,226,778, A>G. VCF-style: chr1-183226778-A-G. GRCh37 (hg19) VCF-style: chr1-183195913-A-G.
Other names: c.1147A>G, p.Ile383Val (NM_018891.3); short protein forms I383V.
Identifiers: ClinVar variation 294002 (VCV000294002.39), dbSNP rs199729402, ClinGen allele CA1282550.

ClinVar aggregate classification (germline): Conflicting classifications of pathogenicity. Review status: criteria provided, conflicting classifications (1 of 4 stars). 3 submissions from 3 submitters: Uncertain significance (1); Likely benign (2). Last evaluated 2026-02-02.

Conditions:
Junctional epidermolysis bullosa. Identifiers: Orphanet 305, MedGen C0079301, MONDO:0017612.

Allele frequency attached by ClinVar (database versions not stated): gnomAD 0.00021 and 0.00024; ESP Exome Variant Server 0.00023; gnomAD exomes 0.00023 and 0.00052; TOPMed 0.00029; 1000 Genomes Project 30x 0.00031; 1000 Genomes Project 0.00040; ExAC 0.00059.
gnomAD v4.1: 410 of 1,614,220 alleles (0.025%); highest among the groups gnomAD compares: East Asian, 0.091%; no homozygotes.

Submissions (3):

Labcorp Genetics (formerly Invitae), Labcorp
Classification: Likely benign. Last evaluated: 2026-02-02. Review status: criteria provided, single submitter. Criteria: Invitae Variant Classification Sherloc (09022015). Collection method: clinical testing. Allele origin: germline.

CeGaT Center for Human Genetics Tuebingen
Classification: Likely benign. Last evaluated: 2022-11-01. Review status: criteria provided, single submitter. Criteria: CeGaT Center For Human Genetics Tuebingen Variant Classification Criteria Version 2. Collection method: clinical testing. Allele origin: germline. Affected: yes. Observed: 1 variant allele.
Comment: LAMC2: BP4

Illumina Laboratory Services, Illumina
Classification: Uncertain significance for Junctional epidermolysis bullosa. Last evaluated: 2018-01-13. Review status: criteria provided, single submitter. Criteria: ICSL Variant Classification Criteria 13 December 2019. Collection method: clinical testing. Allele origin: germline.